The following is an entry in ClinVar:

NC_000022.11:g.40346016G>A

Gene: ADSL (adenylosuccinate lyase; plus strand). Cytogenetic location: 22q13.1.
Variant type: single nucleotide variant.
Genome position: GRCh38 VCF-style: chr22-40346016-G-A. GRCh37 (hg19) VCF-style: chr22-40742020-G-A.
Identifiers: ClinVar variation 1410759 (VCV001410759.5), dbSNP rs1421868511, ClinGen allele CA639407967.

ClinVar aggregate classification (germline): Uncertain significance (1 of 4 stars; one submission).

Conditions:
Adenylosuccinate lyase deficiency (ADSLD). Also called: ADSL DEFICIENCY. Identifiers: Orphanet 46, MedGen C0268126, MONDO:0007068, OMIM 103050.

Allele frequency attached by ClinVar (database versions not stated): TOPMed below 0.00001.

Submission:

Labcorp Genetics (formerly Invitae), Labcorp
Classification: Uncertain significance for Adenylosuccinate lyase deficiency. Last evaluated: 2026-02-02. Review status: criteria provided, single submitter. Criteria: Invitae Variant Classification Sherloc (09022015). Collection method: clinical testing. Allele origin: germline.
Comment: This variant occurs in a non-coding region of the ADSL gene. It does not change the encoded amino acid sequence of the ADSL protein. This variant is present in population databases (no rsID available, gnomAD 0.007%). This variant has not been reported in the literature in individuals affected with ADSL-related conditions. Experimental studies and prediction algorithms are not available or were not evaluated, and the functional significance of this variant is currently unknown. In summary, the available evidence is currently insufficient to determine the role of this variant in disease. Therefore, it has been classified as a Variant of Uncertain Significance.